The following is an entry in ClinVar:

ClinVar aggregate classification (germline): Conflicting classifications of pathogenicity. Review status: criteria provided, conflicting classifications (1 of 4 stars). 4 submissions from 4 submitters: Uncertain significance (3); Likely benign (1). Last evaluated 2025-12-17.

Conditions:
Inborn genetic diseases. Identifiers: MedGen C0950123, MeSH D030342.
CC2D2A-related disorder. Also called: CC2D2A-related disorders; CC2D2A-related condition. Identifiers: MedGen CN239313.
Joubert syndrome. Also called: JOUBERT-BOLTSHAUSER SYNDROME; Familial aplasia of the vermis. Identifiers: Orphanet 475, MedGen C5979921, MONDO:0018772.
Meckel-Gruber syndrome. Also called: DYSENCEPHALIA SPLANCHNOCYSTICA; GRUBER SYNDROME; Dysencephalia splachnocystica. Identifiers: Orphanet 564, MedGen C0265215, MONDO:0018921.

Allele frequency attached by ClinVar (database versions not stated): gnomAD 0.00002 and 0.00003; gnomAD exomes 0.00003; TOPMed 0.00005.
gnomAD v4.1: 43 of 1,612,906 alleles (0.0027%); highest among the groups gnomAD compares: Admixed American, 0.0067%; no homozygotes.

Submissions (4):

PreventionGenetics, part of Exact Sciences
Classification: Uncertain significance for CC2D2A-related condition. Last evaluated: 2025-12-17. Review status: criteria provided, single submitter. Criteria: ACMG Guidelines, 2015. Collection method: clinical testing. Allele origin: germline.
Comment: The CC2D2A c.778G>A variant is predicted to result in the amino acid substitution p.Val260Met. To our knowledge, this variant has not been reported in the literature. This variant is reported in 0.0065% of alleles in individuals of African descent in gnomAD. At this time, the clinical significance of this variant is uncertain due to the absence of conclusive functional and genetic evidence.

Labcorp Genetics (formerly Invitae), Labcorp
Classification: Uncertain significance for Joubert syndrome; Meckel-Gruber syndrome. Last evaluated: 2025-11-10. Review status: criteria provided, single submitter. Criteria: Invitae Variant Classification Sherloc (09022015). Collection method: clinical testing. Allele origin: germline.
Comment: This sequence change replaces valine, which is neutral and non-polar, with methionine, which is neutral and non-polar, at codon 260 of the CC2D2A protein (p.Val260Met). This variant is present in population databases (no rsID available, gnomAD 0.007%). This variant has not been reported in the literature in individuals affected with CC2D2A-related conditions. ClinVar contains an entry for this variant (Variation ID: 1392016). Invitae Evidence Modeling of protein sequence and biophysical properties (such as structural, functional, and spatial information, amino acid conservation, physicochemical variation, residue mobility, and thermodynamic stability) indicates that this missense variant is not expected to disrupt CC2D2A protein function with a negative predictive value of 95%. In summary, the available evidence is currently insufficient to determine the role of this variant in disease. Therefore, it has been classified as a Variant of Uncertain Significance.

Ambry Genetics
Classification: Likely benign for Inborn genetic diseases. Last evaluated: 2025-05-28. Review status: criteria provided, single submitter. Criteria: Ambry Variant Classification Scheme 2023. Collection method: clinical testing. Allele origin: germline.

Blueprint Genetics
Classification: Uncertain significance. Last evaluated: 2024-10-16. Review status: criteria provided, single submitter. Criteria: ACMG Guidelines, 2015. Collection method: clinical testing. Allele origin: germline.

NM_001378615.1(CC2D2A):c.778G>A (p.Val260Met)

Genes: CC2D2A (coiled-coil and C2 domain containing 2A; plus strand), FBXL5 (F-box and leucine rich repeat protein 5; minus strand). Cytogenetic location: 4p15.32.
Variant type: single nucleotide variant.
Coding change: c.778G>A on transcript NM_001378615.1 (MANE Select); coding-DNA position 778, G replaced by A.
Protein change: p.Val260Met; replaces valine 260 with methionine.
Molecular consequence: missense variant.
Genome position (GRCh38, 1-based): chr4:15,514,767, G>A. VCF-style: chr4-15514767-G-A. GRCh37 (hg19) VCF-style: chr4-15516390-G-A.
Other names: c.778G>A, p.Val260Met (NM_001080522.2); c.631G>A, p.Val211Met (NM_001378617.1); short protein forms V260M, V211M.
Identifiers: ClinVar variation 1392016 (VCV001392016.7), dbSNP rs918403472, ClinGen allele CA92512094.